The following is an entry in ClinVar:

NM_001267550.2(TTN):c.103759G>A (p.Val34587Ile)

Genes: TTN (titin; minus strand), TTN-AS1 (TTN antisense RNA 1; plus strand). Cytogenetic location: 2q31.2.
Variant type: single nucleotide variant.
Coding change: c.103759G>A on transcript NM_001267550.2 (MANE Select); coding-DNA position 103759, G replaced by A.
Protein change: p.Val34587Ile; replaces valine 34587 with isoleucine.
Molecular consequence: missense variant.
Genome position (GRCh38, 1-based): chr2:178,532,856, C>T on the plus strand (G>A on the coding strand, the complement: TTN is on the minus strand). VCF-style: chr2-178532856-C-T. GRCh37 (hg19) VCF-style: chr2-179397583-C-T.
Other names: c.98836G>A, p.Val32946Ile (NM_001256850.1); c.76564G>A, p.Val25522Ile (NM_003319.4); c.96055G>A, p.Val32019Ile (NM_133378.4); c.76939G>A, p.Val25647Ile (NM_133432.3); c.77140G>A, p.Val25714Ile (NM_133437.4); short protein forms V25714I, V25647I, V32019I, V32946I, V34587I, V25522I.
Identifiers: ClinVar variation 663288 (VCV000663288.8), dbSNP rs1188944324, ClinGen allele CA349413566.

ClinVar aggregate classification (germline): Uncertain significance (1 of 4 stars; one submission).

Conditions:
Autosomal recessive limb-girdle muscular dystrophy type 2J (LGMDR10). Also called: Limb-girdle muscular dystrophy, type 2J; MUSCULAR DYSTROPHY, LIMB-GIRDLE, AUTOSOMAL RECESSIVE 10. Identifiers: Orphanet 140922, MedGen C1837342, MONDO:0012127, OMIM 608807.
Dilated cardiomyopathy 1G (CMD1G). Identifiers: Orphanet 154, MedGen C1858763, MONDO:0011400, OMIM 604145.

Submission:

Labcorp Genetics (formerly Invitae), Labcorp
Classification: Uncertain significance for Dilated cardiomyopathy 1G; Autosomal recessive limb-girdle muscular dystrophy type 2J. Last evaluated: 2024-10-19. Review status: criteria provided, single submitter. Criteria: Invitae Variant Classification Sherloc (09022015). Collection method: clinical testing. Allele origin: germline.
Comment: This sequence change replaces valine, which is neutral and non-polar, with isoleucine, which is neutral and non-polar, at codon 34587 of the TTN protein (p.Val34587Ile). This variant is not present in population databases (gnomAD no frequency). This variant has not been reported in the literature in individuals affected with TTN-related conditions. ClinVar contains an entry for this variant (Variation ID: 663288). An algorithm developed to predict the effect of missense changes on protein structure and function outputs the following: PolyPhen-2: "Not Available". The isoleucine amino acid residue is found in multiple mammalian species, which suggests that this missense change does not adversely affect protein function. This variant is located in the M band of TTN (PMID: 25589632). Non-truncating variants in this region may be relevant for neuromuscular disorders, but have not been definitively shown to cause cardiomyopathy (PMID: 23975875). In summary, the available evidence is currently insufficient to determine the role of this variant in disease. Therefore, it has been classified as a Variant of Uncertain Significance.

Literature cited by the submitters: PubMed 25589632; PubMed 23975875.